The following is an entry in ClinVar:

NM_001379081.2(FREM1):c.1173CTT[2] (p.Phe394del)

Gene: FREM1 (FRAS1 related extracellular matrix 1; minus strand). Cytogenetic location: 9p22.3.
Variant type: Microsatellite.
Coding change: c.1173CTT[2] on transcript NM_001379081.2 (MANE Select); two copies in a row of the 3-base unit CTT starting at c.1173; the reference has three copies in a row; one copy, 3 bases deleted.
Protein change: p.Phe394del; deletes phenylalanine 394.
Molecular consequence: inframe deletion. On other transcripts: non-coding transcript variant (4).
Genome position (GRCh38, 1-based): chr9:14,848,745-14,848,747, AAG deleted on the plus strand (CTT on the coding strand, the reverse complement: FREM1 is on the minus strand); deleting any 3 consecutive bases within chr9:14,848,745-14,848,753 gives the same sequence; the position shown is the placement nearest the transcript's 3' end. VCF-style (leftmost placement, unchanged base first): chr9-14848744-AAAG-A. GRCh37 (hg19) VCF-style: chr9-14848742-AAAG-A.
Other names: c.1200CTT[2], p.Phe403del (NM_001370060.1); c.1173CTT[2], p.Phe394del (NM_001370063.1, NM_001370065.1, NM_144966.7); short protein forms F394del, F403del.
Identifiers: ClinVar variation 1801889 (VCV001801889.1), dbSNP rs1424711031, ClinGen allele CA586244380.

ClinVar aggregate classification (germline): Uncertain significance (1 of 4 stars; one submission).

Submission:

GeneDx
Classification: Uncertain significance. Last evaluated: 2022-06-01. Review status: criteria provided, single submitter. Criteria: GeneDx Variant Classification Process June 2021. Collection method: clinical testing. Allele origin: germline. Affected: yes.
Comment: In-frame deletion of 1 amino acid in a non-repeat region; In silico analysis supports a deleterious effect on protein structure/function; Has not been previously published as pathogenic or benign to our knowledge